The following is an entry in ClinVar:

NM_205836.3(FBXO38):c.1698C>A (p.Ser566Arg)

Gene: FBXO38 (F-box protein 38; plus strand). Cytogenetic location: 5q32.
Variant type: single nucleotide variant.
Coding change: c.1698C>A on transcript NM_205836.3 (MANE Select); coding-DNA position 1698, C replaced by A.
Protein change: p.Ser566Arg; replaces serine 566 with arginine.
Molecular consequence: missense variant.
Genome position (GRCh38, 1-based): chr5:148,424,077, C>A. VCF-style: chr5-148424077-C-A. GRCh37 (hg19) VCF-style: chr5-147803640-C-A.
Other names: c.1698C>A, p.Ser566Arg (NM_001271723.2, NM_030793.5); short protein forms S566R.
Identifiers: ClinVar variation 1419531 (VCV001419531.6), dbSNP rs375251121, ClinGen allele CA361654533.

ClinVar aggregate classification (germline): Uncertain significance (1 of 4 stars; one submission).

Conditions:
Distal hereditary motor neuropathy type 2. Identifiers: Orphanet 139525, MedGen C3711384, MeSH C580044, MONDO:0015352.

Allele frequency attached by ClinVar (database versions not stated): gnomAD exomes below 0.00001; gnomAD 0.00001.
gnomAD v4.1: 2 of 1,613,480 alleles (0.00012%); highest among the groups gnomAD compares: African/African-American, 0.0027%; no homozygotes.

Submission:

Labcorp Genetics (formerly Invitae), Labcorp
Classification: Uncertain significance for Distal hereditary motor neuropathy type 2. Last evaluated: 2021-07-28. Review status: criteria provided, single submitter. Criteria: Invitae Variant Classification Sherloc (09022015). Collection method: clinical testing. Allele origin: germline.
Comment: This variant is not present in population databases (ExAC no frequency). This sequence change replaces serine with arginine at codon 566 of the FBXO38 protein (p.Ser566Arg). The serine residue is moderately conserved and there is a moderate physicochemical difference between serine and arginine. This variant has not been reported in the literature in individuals affected with FBXO38-related conditions. In summary, the available evidence is currently insufficient to determine the role of this variant in disease. Therefore, it has been classified as a Variant of Uncertain Significance. Algorithms developed to predict the effect of missense changes on protein structure and function (SIFT, PolyPhen-2, Align-GVGD) all suggest that this variant is likely to be tolerated.